The following is an entry in ClinVar:

NM_000135.4(FANCA):c.1308G>T (p.Gln436His)

Gene: FANCA (FA complementation group A; minus strand). Cytogenetic location: 16q24.3.
Variant type: single nucleotide variant.
Coding change: c.1308G>T on transcript NM_000135.4 (MANE Select); coding-DNA position 1308, G replaced by T.
Protein change: p.Gln436His; replaces glutamine 436 with histidine.
Molecular consequence: missense variant.
Genome position (GRCh38, 1-based): chr16:89,791,454, C>A on the plus strand (G>T on the coding strand, the complement: FANCA is on the minus strand). VCF-style: chr16-89791454-C-A. GRCh37 (hg19) VCF-style: chr16-89857862-C-A.
Other names: c.1308G>T, p.Gln436His (NM_001286167.3); short protein forms Q436H.
Identifiers: ClinVar variation 3896201 (VCV003896201.2).

ClinVar aggregate classification (germline): Uncertain significance (1 of 4 stars; one submission).

gnomAD v4.1: 1 of 1,614,154 alleles (0.000062%); highest among the groups gnomAD compares: South Asian, 0.0011%; no homozygotes.

Submission:

Women's Health and Genetics/Laboratory Corporation of America, LabCorp
Classification: Uncertain significance. Last evaluated: 2025-04-17. Review status: criteria provided, single submitter. Criteria: LabCorp Variant Classification Summary - May 2015. Collection method: clinical testing. Allele origin: germline.
Comment: Variant summary: FANCA c.1308G>T (p.Gln436His) results in a non-conservative amino acid change in the encoded protein sequence. Three of five in-silico tools predict a damaging effect of the variant on protein function. The variant was absent in 251092 control chromosomes. The available data on variant occurrences in the general population are insufficient to allow any conclusion about variant significance. To our knowledge, no occurrence of c.1308G>T (or another c. reported to have the same protein effect in ClinVar, c.1308G>C) in individuals affected with Fanconi Anemia and no experimental evidence demonstrating its impact on protein function have been reported. No submitters have cited clinical-significance assessments for this variant to ClinVar. Based on the evidence outlined above, the variant was classified as uncertain significance.